The following is an entry in ClinVar:

NM_004174.4(SLC9A3):c.1883G>A (p.Arg628Gln)

Genes: SLC9A3 (solute carrier family 9 member A3), SLC9A3-AS1 (SLC9A3 antisense RNA 1; plus strand). Cytogenetic location: 5p15.33.
Variant type: single nucleotide variant.
Coding change: c.1883G>A on transcript NM_004174.4 (MANE Select); coding-DNA position 1883, G replaced by A.
Protein change: p.Arg628Gln; replaces arginine 628 with glutamine.
Molecular consequence: missense variant. On other transcripts: non-coding transcript variant (1).
Genome position (GRCh38, 1-based): chr5:476,550, C>T on the plus strand (G>A on the coding strand, the complement: SLC9A3 is on the minus strand). VCF-style: chr5-476550-C-T. GRCh37 (hg19) VCF-style: chr5-476665-C-T.
Other names: c.1856G>A, p.Arg619Gln (NM_001284351.3); short protein forms R619Q, R628Q.
Identifiers: ClinVar variation 1428846 (VCV001428846.5), dbSNP rs776738920, ClinGen allele CA3175682.

ClinVar aggregate classification (germline): Uncertain significance (1 of 4 stars; one submission).

Allele frequency attached by ClinVar (database versions not stated): gnomAD exomes below 0.00001 and 0.00001; ExAC 0.00001; gnomAD 0.00001; TOPMed 0.00001.
gnomAD v4.1: 14 of 1,610,928 alleles (0.00087%); highest among the groups gnomAD compares: East Asian, 0.0022%; no homozygotes.

Submission:

Labcorp Genetics (formerly Invitae), Labcorp
Classification: Uncertain significance. Last evaluated: 2022-02-02. Review status: criteria provided, single submitter. Criteria: Invitae Variant Classification Sherloc (09022015). Collection method: clinical testing. Allele origin: germline.
Comment: This sequence change replaces arginine, which is basic and polar, with glutamine, which is neutral and polar, at codon 628 of the SLC9A3 protein (p.Arg628Gln). This variant is present in population databases (rs776738920, gnomAD 0.002%). This variant has not been reported in the literature in individuals affected with SLC9A3-related conditions. Algorithms developed to predict the effect of missense changes on protein structure and function are either unavailable or do not agree on the potential impact of this missense change (SIFT: "Not Available"; PolyPhen-2: "Possibly Damaging"; Align-GVGD: "Not Available"). In summary, the available evidence is currently insufficient to determine the role of this variant in disease. Therefore, it has been classified as a Variant of Uncertain Significance.